The following is an entry in ClinVar:

ClinVar aggregate classification (germline): Conflicting classifications of pathogenicity. Review status: criteria provided, conflicting classifications (1 of 4 stars). 2 submissions from 2 submitters: Uncertain significance (1); Likely benign (1). Last evaluated 2025-09-09.

Conditions:
Hereditary cancer-predisposing syndrome. Also called: Hereditary Cancer Syndrome; Neoplastic Syndromes, Hereditary; Tumor predisposition; Hereditary neoplastic syndrome. Identifiers: Orphanet 140162, MedGen C0027672, MeSH D009386, MONDO:0015356.
Rhabdoid tumor predisposition syndrome 2 (RTPS2). Identifiers: Orphanet 231108, Orphanet 69077, MedGen C2750074, MONDO:0013224, OMIM 613325.

Submissions (2):

Labcorp Genetics (formerly Invitae), Labcorp
Classification: Uncertain significance for Rhabdoid tumor predisposition syndrome 2. Last evaluated: 2025-09-09. Review status: criteria provided, single submitter. Criteria: Invitae Variant Classification Sherloc (09022015). Collection method: clinical testing. Allele origin: germline.
Comment: This variant, c.2010_2012del, results in the deletion of 1 amino acid(s) of the SMARCA4 protein (p.Glu672del), but otherwise preserves the integrity of the reading frame. The frequency data for this variant in the population databases is considered unreliable, as metrics indicate poor data quality at this position in the gnomAD database. This variant has not been reported in the literature in individuals affected with SMARCA4-related conditions. ClinVar contains an entry for this variant (Variation ID: 537816). RNA analysis performed to evaluate the impact of this variant on mRNA splicing indicates it does not significantly alter splicing (internal data). In summary, the available evidence is currently insufficient to determine the role of this variant in disease. Therefore, it has been classified as a Variant of Uncertain Significance.

Ambry Genetics
Classification: Likely benign for Hereditary cancer-predisposing syndrome. Last evaluated: 2022-05-24. Review status: criteria provided, single submitter. Criteria: Ambry Variant Classification Scheme 2023. Collection method: clinical testing. Allele origin: germline.

NM_001128849.1(SMARCA4):c.2010_2012delGGA

Gene: SMARCA4 (SWI/SNF related BAF chromatin remodeling complex subunit ATPase 4; plus strand). Cytogenetic location: 19p13.2.
Variant type: Microsatellite.
Coding change: c.2010_2012delGGA on transcript NM_001128849.1; coding-DNA positions 2010 to 2012, 3 bases deleted (GGA).
Genome position (GRCh38, 1-based): chr19:11,007,910-11,007,912, GGA deleted; deleting any 3 consecutive bases within chr19:11,007,900-11,007,912 gives the same sequence; the c. name uses the placement nearest the transcript's 3' end. VCF-style (leftmost placement, unchanged base first): chr19-11007899-TAGG-T. GRCh37 (hg19) VCF-style: chr19-11118575-TAGG-T.
Other names: c.2010_2012del (NM_001128849.1).
Identifiers: ClinVar variation 537816 (VCV000537816.17), dbSNP rs759896283, ClinGen allele CA9203987.